The following is an entry in ClinVar:

NM_000383.4(AIRE):c.539_540delinsAT (p.Gly180Asp)

Gene: AIRE (autoimmune regulator; plus strand). Cytogenetic location: 21q22.3.
Variant type: Indel.
Coding change: c.539_540delinsAT on transcript NM_000383.4 (MANE Select); coding-DNA positions 539 to 540, GG replaced by AT.
Protein change: p.Gly180Asp; replaces glycine 180 with aspartic acid.
Molecular consequence: missense variant.
Genome position (GRCh38, 1-based): chr21:44,288,345-44,288,346, GG replaced by AT. VCF-style: chr21-44288345-GG-AT. GRCh37 (hg19) VCF-style: chr21-45708228-GG-AT.
Other names: short protein forms G180D.
Identifiers: ClinVar variation 1060683 (VCV001060683.7), dbSNP rs2146377706, ClinGen allele CA2499225973.

ClinVar aggregate classification (germline): Uncertain significance (1 of 4 stars; one submission).

Conditions:
Polyglandular autoimmune syndrome, type 1 (APS1). Also called: APS I; AUTOIMMUNE POLYENDOCRINE SYNDROME, TYPE I, WITH OR WITHOUT REVERSIBLE METAPHYSEAL DYSPLASIA; HYPOADRENOCORTICISM WITH HYPOPARATHYROIDISM AND SUPERFICIAL MONILIASIS; Whitaker syndrome; Autoimmune polyendocrine syndrome type 1; Autoimmune polyendocrinopathy syndrome , type I, with or without reversible metaphyseal dysplasia. Identifiers: Orphanet 3453, MedGen C0085859, MONDO:0009411, OMIM 240300.

Submission:

Labcorp Genetics (formerly Invitae), Labcorp
Classification: Uncertain significance for Polyglandular autoimmune syndrome, type 1. Last evaluated: 2024-10-16. Review status: criteria provided, single submitter. Criteria: Invitae Variant Classification Sherloc (09022015). Collection method: clinical testing. Allele origin: germline.
Comment: This sequence change replaces glycine, which is neutral and non-polar, with aspartic acid, which is acidic and polar, at codon 180 of the AIRE protein (p.Gly180Asp). Information on the frequency of this variant in the gnomAD database is not available, as this variant may be reported differently in the database. This variant has not been reported in the literature in individuals affected with AIRE-related conditions. ClinVar contains an entry for this variant (Variation ID: 1060683). An algorithm developed to predict the effect of missense changes on protein structure and function (PolyPhen-2) suggests that this variant is likely to be disruptive. In summary, the available evidence is currently insufficient to determine the role of this variant in disease. Therefore, it has been classified as a Variant of Uncertain Significance.